The following is an entry in ClinVar:

ClinVar aggregate classification (germline): Uncertain significance. Review status: criteria provided, multiple submitters, no conflicts (2 of 4 stars). 4 submissions from 4 submitters: Uncertain significance (4). Last evaluated 2025-11-03.

Conditions:
Familial thoracic aortic aneurysm and aortic dissection (TAAD). Also called: Thoracic aortic aneurysms and dissections. Identifiers: Orphanet 91387, MedGen C4707243, MONDO:0019625.
Aortic aneurysm, familial thoracic 4 (AAT4). Also called: AORTIC ANEURYSM/AORTIC DISSECTION AND PATENT DUCTUS ARTERIOSUS. Identifiers: MedGen C1851504, MONDO:0007568, OMIM 132900.

Allele frequency attached by ClinVar (database versions not stated): gnomAD exomes below 0.00001; TOPMed below 0.00001; ExAC 0.00001.
gnomAD v4.1: 2 of 1,614,198 alleles (0.00012%); highest among the groups gnomAD compares: South Asian, 0.0022%; no homozygotes.

Submissions (4):

Labcorp Genetics (formerly Invitae), Labcorp
Classification: Uncertain significance for Aortic aneurysm, familial thoracic 4. Last evaluated: 2025-11-03. Review status: criteria provided, single submitter. Criteria: Invitae Variant Classification Sherloc (09022015). Collection method: clinical testing. Allele origin: germline.
Comment: This sequence change replaces glutamic acid, which is acidic and polar, with lysine, which is basic and polar, at codon 1109 of the MYH11 protein (p.Glu1109Lys). This variant is present in population databases (rs761288871, gnomAD 0.003%). This variant has not been reported in the literature in individuals affected with MYH11-related conditions. ClinVar contains an entry for this variant (Variation ID: 921291). Invitae Evidence Modeling of protein sequence and biophysical properties (such as structural, functional, and spatial information, amino acid conservation, physicochemical variation, residue mobility, and thermodynamic stability) indicates that this missense variant is not expected to disrupt MYH11 protein function with a negative predictive value of 95%. In summary, the available evidence is currently insufficient to determine the role of this variant in disease. Therefore, it has been classified as a Variant of Uncertain Significance.

GeneDx
Classification: Uncertain significance. Last evaluated: 2024-12-05. Review status: criteria provided, single submitter. Criteria: GeneDx Variant Classification Process June 2021. Collection method: clinical testing. Allele origin: germline. Affected: yes.
Comment: Not observed at significant frequency in large population cohorts (gnomAD); In silico analysis supports that this missense variant has a deleterious effect on protein structure/function

Ambry Genetics
Classification: Uncertain significance for Familial thoracic aortic aneurysm and aortic dissection. Last evaluated: 2024-08-23. Review status: criteria provided, single submitter. Criteria: Ambry Variant Classification Scheme 2023. Collection method: clinical testing. Allele origin: germline.
Comment: The p.E1102K variant (also known as c.3304G>A), located in coding exon 25 of the MYH11 gene, results from a G to A substitution at nucleotide position 3304. The glutamic acid at codon 1102 is replaced by lysine, an amino acid with similar properties. This amino acid position is conserved. In addition, this alteration is predicted to be deleterious by in silico analysis. Based on the available evidence, the clinical significance of this variant remains unclear.

Color Diagnostics, LLC DBA Color Health
Classification: Uncertain significance for Familial thoracic aortic aneurysm and aortic dissection. Last evaluated: 2024-03-06. Review status: criteria provided, single submitter. Criteria: ACMG Guidelines, 2015. Collection method: clinical testing. Allele origin: germline.
Comment: This missense variant replaces glutamic acid with lysine at codon 1109 of the MYH11 protein. Computational prediction suggests that this variant may have deleterious impact on protein structure and function (internally defined REVEL score threshold >= 0.7, PMID: 27666373). To our knowledge, functional studies have not been reported for this variant. This variant has not been reported in individuals affected with cardiovascular disorders in the literature. This variant has been identified in 1/251402 chromosomes in the general population by the Genome Aggregation Database (gnomAD). The available evidence is insufficient to determine the role of this variant in disease conclusively. Therefore, this variant is classified as a Variant of Uncertain Significance.

NM_002474.3(MYH11):c.3304G>A (p.Glu1102Lys)

Gene: MYH11 (myosin heavy chain 11; minus strand). Cytogenetic location: 16p13.11.
Variant type: single nucleotide variant.
Coding change: c.3304G>A on transcript NM_002474.3 (MANE Select); coding-DNA position 3304, G replaced by A.
Protein change: p.Glu1102Lys; replaces glutamic acid 1102 with lysine.
Molecular consequence: missense variant.
Genome position (GRCh38, 1-based): chr16:15,735,568, C>T on the plus strand (G>A on the coding strand, the complement: MYH11 is on the minus strand). VCF-style: chr16-15735568-C-T. GRCh37 (hg19) VCF-style: chr16-15829425-C-T.
Other names: c.3325G>A, p.Glu1109Lys (NM_001040113.2, NM_001040114.2); c.3304G>A, p.Glu1102Lys (NM_022844.3); c.3304G>A (NM_002474.2); short protein forms E1102K, E1109K.
Identifiers: ClinVar variation 921291 (VCV000921291.8), dbSNP rs761288871, ClinGen allele CA7922019.